The following is an entry in ClinVar:

ClinVar aggregate classification (germline): Benign. Review status: criteria provided, multiple submitters, no conflicts (2 of 4 stars). 3 submissions from 3 submitters: Benign (2). 1 of the submissions does not count toward it. Last evaluated 2021-06-09.

Conditions:
LIPE-related disorder. Also called: LIPE-related condition.

Allele frequency attached by ClinVar (database versions not stated): gnomAD 0.03510 and 0.03761; ESP Exome Variant Server 0.04190; 1000 Genomes Project 0.04393; 1000 Genomes Project 30x 0.04809.
gnomAD v4.1: 11,024 of 1,614,102 alleles (0.68%); highest among the groups gnomAD compares: African/African-American, 12%; 561 homozygotes.

Submissions (3):

GeneDx
Classification: Benign. Last evaluated: 2021-06-09. Review status: criteria provided, single submitter. Criteria: GeneDx Variant Classification Process June 2021. Collection method: clinical testing. Allele origin: germline. Affected: yes.

Breakthrough Genomics
Classification: Benign. Review status: criteria provided, single submitter. Criteria: ACMG Guidelines, 2015. Collection method: not provided. Allele origin: germline. Inheritance: Autosomal recessive inheritance. Affected: yes.

PreventionGenetics, part of Exact Sciences
Classification: Benign for LIPE-related condition. Last evaluated: 2020-03-06. Review status: no assertion criteria provided. Collection method: clinical testing. Allele origin: germline. Not counted in ClinVar's aggregate classification.
Comment: This variant is classified as benign based on ACMG/AMP sequence variant interpretation guidelines (Richards et al. 2015 PMID: 25741868, with internal and published modifications).

NM_005357.4(LIPE):c.650G>A (p.Arg217Gln)

Genes: LIPE (lipase E, hormone sensitive type; minus strand), LIPE-AS1 (LIPE antisense RNA 1; plus strand). Cytogenetic location: 19q13.2.
Variant type: single nucleotide variant.
Coding change: c.650G>A on transcript NM_005357.4 (MANE Select); coding-DNA position 650, G replaced by A.
Protein change: p.Arg217Gln; replaces arginine 217 with glutamine.
Molecular consequence: missense variant.
Genome position (GRCh38, 1-based): chr19:42,426,500, C>T on the plus strand (G>A on the coding strand, the complement: LIPE is on the minus strand). VCF-style: chr19-42426500-C-T. GRCh37 (hg19) VCF-style: chr19-42930652-C-T.
Other names: c.650G>A (NM_005357.3); short protein forms R217Q.
Identifiers: ClinVar variation 1295102 (VCV001295102.5), dbSNP rs3745238, ClinGen allele CA9477302.
Genomic context (GRCh38, chr19:42,426,500, plus strand): 5'-TCTGATTCTGACTCAGAATCTGTGACCCACTCAGAAAGTGCCTTCCACTCTAGGGCTGAT[C>T]GCTGTATGGATAGTTCCTGAAGTTTTGTTAGAAATCCCAGCTCTGTCAAAGATCCCTGCT-3'
Protein context (NP_005348.2, residues 207-227): LTKLQELSIQ[Arg217Gln]SALEWKALSE